The following is an entry in ClinVar:

ClinVar aggregate classification (germline): Uncertain significance (1 of 4 stars; one submission).

Conditions:
Trichorhinophalangeal syndrome, type III (TRPS3). Also called: SUGIO-KAJII SYNDROME. Identifiers: Orphanet 77258, MedGen C1860823, OMIM 190351, MONDO:0008597.
Trichorhinophalangeal dysplasia type I (TRPS1). Also called: TRICHORHINOPHALANGEAL SYNDROME, TYPE I; TRPS I. Identifiers: Orphanet 77258, MedGen C0432233, MONDO:0008596, OMIM 190350.

Allele frequency attached by ClinVar (database versions not stated): gnomAD exomes below 0.00001.
gnomAD v4.1: 2 of 1,614,172 alleles (0.00012%); highest among the groups gnomAD compares: South Asian, 0.0011%; no homozygotes.

Submission:

Labcorp Genetics (formerly Invitae), Labcorp
Classification: Uncertain significance for Trichorhinophalangeal syndrome, type III; Trichorhinophalangeal dysplasia type I. Last evaluated: 2023-11-03. Review status: criteria provided, single submitter. Criteria: Invitae Variant Classification Sherloc (09022015). Collection method: clinical testing. Allele origin: germline.
Comment: This sequence change replaces valine, which is neutral and non-polar, with leucine, which is neutral and non-polar, at codon 299 of the TRPS1 protein (p.Val299Leu). This variant is not present in population databases (gnomAD no frequency). This variant has not been reported in the literature in individuals affected with TRPS1-related conditions. Advanced modeling of protein sequence and biophysical properties (such as structural, functional, and spatial information, amino acid conservation, physicochemical variation, residue mobility, and thermodynamic stability) performed at Invitae indicates that this missense variant is not expected to disrupt TRPS1 protein function with a negative predictive value of 80%. In summary, the available evidence is currently insufficient to determine the role of this variant in disease. Therefore, it has been classified as a Variant of Uncertain Significance.

NM_014112.5(TRPS1):c.895G>T (p.Val299Leu)

Gene: TRPS1 (transcriptional repressor GATA binding 1; minus strand). Cytogenetic location: 8q23.3.
Variant type: single nucleotide variant.
Coding change: c.895G>T on transcript NM_014112.5 (MANE Select); coding-DNA position 895, G replaced by T.
Protein change: p.Val299Leu; replaces valine 299 with leucine.
Molecular consequence: missense variant.
Genome position (GRCh38, 1-based): chr8:115,619,203, C>A on the plus strand (G>T on the coding strand, the complement: TRPS1 is on the minus strand). VCF-style: chr8-115619203-C-A. GRCh37 (hg19) VCF-style: chr8-116631430-C-A.
Other names: c.868G>T, p.Val290Leu (NM_001282902.3); c.874G>T, p.Val292Leu (NM_001282903.3); c.856G>T, p.Val286Leu (NM_001330599.2); short protein forms V286L, V299L, V290L, V292L.
Identifiers: ClinVar variation 2953532 (VCV002953532.3), dbSNP rs2536913661, ClinGen allele CA372068618.